The following is an entry in ClinVar:

NM_003239.5(TGFB3):c.872C>T (p.Pro291Leu)

Gene: TGFB3 (transforming growth factor beta 3; minus strand). Cytogenetic location: 14q24.3.
Variant type: single nucleotide variant.
Coding change: c.872C>T on transcript NM_003239.5 (MANE Select); coding-DNA position 872, C replaced by T.
Protein change: p.Pro291Leu; replaces proline 291 with leucine.
Molecular consequence: missense variant.
Genome position (GRCh38, 1-based): chr14:75,963,370, G>A on the plus strand (C>T on the coding strand, the complement: TGFB3 is on the minus strand). VCF-style: chr14-75963370-G-A. GRCh37 (hg19) VCF-style: chr14-76429713-G-A.
Other names: p.Pro291Leu; c.872C>T, p.Pro291Leu (NM_001329938.2, NM_001329939.2); short protein forms P291L.
Identifiers: ClinVar variation 410274 (VCV000410274.15), dbSNP rs145121701, ClinGen allele CA7280323.

ClinVar aggregate classification (germline): Uncertain significance. Review status: criteria provided, multiple submitters, no conflicts (2 of 4 stars). 6 submissions from 6 submitters: Uncertain significance (6). Last evaluated 2025-11-25.

Conditions:
Familial thoracic aortic aneurysm and aortic dissection (TAAD). Also called: Thoracic aortic aneurysms and dissections. Identifiers: Orphanet 91387, MedGen C4707243, MONDO:0019625.
Rienhoff syndrome. Also called: LOEYS-DIETZ SYNDROME 5. Identifiers: MedGen C3810012, MONDO:0014262, OMIM 615582.
Arrhythmogenic right ventricular dysplasia 1. Identifiers: Orphanet 3403, MedGen C1862511, MONDO:0007152, OMIM 107970.

Allele frequency attached by ClinVar (database versions not stated): ExAC 0.00002; gnomAD exomes 0.00003; gnomAD 0.00004; TOPMed 0.00005; ESP Exome Variant Server 0.00015.

Submissions (6):

Women's Health and Genetics/Laboratory Corporation of America, LabCorp
Classification: Uncertain significance. Last evaluated: 2025-11-25. Review status: criteria provided, single submitter. Criteria: LabCorp Variant Classification Summary - May 2015. Collection method: clinical testing. Allele origin: germline.
Comment: Variant summary: TGFB3 c.872C>T (p.Pro291Leu) results in a non-conservative amino acid change in the encoded protein sequence. Algorithms developed to predict the effect of missense changes on protein structure and function are either unavailable or do not agree on the potential impact of this missense change. The variant allele was found at a frequency of 3.2e-05 in 251428 control chromosomes. The available data on variant occurrences in the general population are insufficient to allow any conclusion about variant significance. To our knowledge, no occurrence of c.872C>T in individuals affected with TGFB3-related conditions and no experimental evidence demonstrating its impact on protein function have been reported. ClinVar contains an entry for this variant (Variation ID: 410274). Based on the evidence outlined above, the variant was classified as uncertain significance.

Ambry Genetics
Classification: Uncertain significance for Familial thoracic aortic aneurysm and aortic dissection. Last evaluated: 2025-11-15. Review status: criteria provided, single submitter. Criteria: Ambry Variant Classification Scheme 2023. Collection method: clinical testing. Allele origin: germline.
Comment: The p.P291L variant (also known as c.872C>T), located in coding exon 5 of the TGFB3 gene, results from a C to T substitution at nucleotide position 872. The proline at codon 291 is replaced by leucine, an amino acid with similar properties. This amino acid position is well conserved in available vertebrate species. In addition, the in silico prediction for this alteration is inconclusive. Since supporting evidence is limited at this time, the clinical significance of this alteration remains unclear.

Labcorp Genetics (formerly Invitae), Labcorp
Classification: Uncertain significance for Rienhoff syndrome. Last evaluated: 2022-07-05. Review status: criteria provided, single submitter. Criteria: Invitae Variant Classification Sherloc (09022015). Collection method: clinical testing. Allele origin: germline.
Comment: This sequence change replaces proline, which is neutral and non-polar, with leucine, which is neutral and non-polar, at codon 291 of the TGFB3 protein (p.Pro291Leu). This variant is present in population databases (rs145121701, gnomAD 0.01%). This variant has not been reported in the literature in individuals affected with TGFB3-related conditions. ClinVar contains an entry for this variant (Variation ID: 410274). Algorithms developed to predict the effect of missense changes on protein structure and function (SIFT, PolyPhen-2, Align-GVGD) all suggest that this variant is likely to be tolerated. In summary, the available evidence is currently insufficient to determine the role of this variant in disease. Therefore, it has been classified as a Variant of Uncertain Significance.

Fulgent Genetics
Classification: Uncertain significance for Arrhythmogenic right ventricular dysplasia 1; Rienhoff syndrome. Last evaluated: 2021-10-01. Review status: criteria provided, single submitter. Criteria: ACMG Guidelines, 2015. Collection method: clinical testing. Allele origin: unknown.

Clinical Genomics Laboratory, Stanford Medicine
Classification: Uncertain significance for Arrhythmogenic right ventricular dysplasia 1. Last evaluated: 2021-04-29. Review status: criteria provided, single submitter. Criteria: ACMG Guidelines, 2015. Collection method: clinical testing. Allele origin: germline. Affected: yes. Observed: 1 heterozygote.
Comment: The p.Pro291Leu variant in the TGFB3 gene has not been previously reported in association with disease. This variant has been identified in 2/16,254 African/African American chromosomes (8/251,428 chromosomes overall) by the Genome Aggregation Database. Although this variant has been seen in the general population, it has not been seen at a high enough frequency to rule out pathogenicity. The proline at position 291 is highly evolutionarily conserved in mammals; however, leucine is observed in one lower species (zebrafish). Computational tools do not predict that the p.Pro291Leu variant is deleterious; however, the accuracy of in silico algorithms is limited. These data were assessed using the ACMG/AMP variant interpretation guidelines. In summary, the significance of the p.Pro291Leu variant is uncertain. Additional information is needed to resolve the significance of this variant. [ACMG evidence codes used: None]

GeneDx
Classification: Uncertain significance. Last evaluated: 2019-12-24. Review status: criteria provided, single submitter. Criteria: GeneDx Variant Classification Process June 2021. Collection method: clinical testing. Allele origin: germline. Affected: yes.
Comment: Has not been previously published as pathogenic or benign to our knowledge; Reported in ClinVar as a variant of uncertain significance, but additional evidence is not available (ClinVar Variant ID# 410274; Landrum et al., 2016); In silico analysis, which includes protein predictors and evolutionary conservation, supports that this variant does not alter protein structure/function